The following is an entry in ClinVar:

NM_032043.3(BRIP1):c.1894A>G (p.Thr632Ala)

Gene: BRIP1 (BRCA1 interacting DNA helicase 1; minus strand). Cytogenetic location: 17q23.2.
Variant type: single nucleotide variant.
Coding change: c.1894A>G on transcript NM_032043.3 (MANE Select); coding-DNA position 1894, A replaced by G.
Protein change: p.Thr632Ala; replaces threonine 632 with alanine.
Molecular consequence: missense variant.
Genome position (GRCh38, 1-based): chr17:61,780,302, T>C on the plus strand (A>G on the coding strand, the complement: BRIP1 is on the minus strand). VCF-style: chr17-61780302-T-C. GRCh37 (hg19) VCF-style: chr17-59857663-T-C.
Other names: short protein forms T632A.
Identifiers: ClinVar variation 481637 (VCV000481637.12), dbSNP rs1555602149, ClinGen allele CA400479308.

ClinVar aggregate classification (germline): Conflicting classifications of pathogenicity. Review status: criteria provided, conflicting classifications (1 of 4 stars). 2 submissions from 2 submitters: Uncertain significance (1); Likely benign (1). Last evaluated 2024-06-18.

Conditions:
Hereditary cancer-predisposing syndrome. Also called: Hereditary neoplastic syndrome; Neoplastic Syndromes, Hereditary; Tumor predisposition; Hereditary Cancer Syndrome. Identifiers: Orphanet 140162, MedGen C0027672, MeSH D009386, MONDO:0015356.
Fanconi anemia complementation group J. Also called: BRIP1-Related Fanconi Anemia. Identifiers: Orphanet 84, MedGen C1836860, MONDO:0012187, OMIM 609054.
Familial cancer of breast. Also called: BREAST CANCER, FAMILIAL; Hereditary breast cancer; hereditary breast carcinoma. Identifiers: Orphanet 227535, MedGen C0346153, MONDO:0016419, OMIM 114480. Disease mechanism: loss of function.

Submissions (2):

Labcorp Genetics (formerly Invitae), Labcorp
Classification: Uncertain significance for Familial cancer of breast; Fanconi anemia complementation group J. Last evaluated: 2024-06-18. Review status: criteria provided, single submitter. Criteria: Invitae Variant Classification Sherloc (09022015). Collection method: clinical testing. Allele origin: germline.
Comment: This sequence change replaces threonine, which is neutral and polar, with alanine, which is neutral and non-polar, at codon 632 of the BRIP1 protein (p.Thr632Ala). This variant is not present in population databases (gnomAD no frequency). This variant has not been reported in the literature in individuals affected with BRIP1-related conditions. ClinVar contains an entry for this variant (Variation ID: 481637). Advanced modeling of protein sequence and biophysical properties (such as structural, functional, and spatial information, amino acid conservation, physicochemical variation, residue mobility, and thermodynamic stability) performed at Invitae indicates that this missense variant is not expected to disrupt BRIP1 protein function with a negative predictive value of 80%. In summary, the available evidence is currently insufficient to determine the role of this variant in disease. Therefore, it has been classified as a Variant of Uncertain Significance.

Ambry Genetics
Classification: Likely benign for Hereditary cancer-predisposing syndrome. Last evaluated: 2024-03-20. Review status: criteria provided, single submitter. Criteria: Ambry Variant Classification Scheme 2023. Collection method: clinical testing. Allele origin: germline.